The following is an entry in ClinVar:

ClinVar aggregate classification (germline): Uncertain significance (0 of 4 stars; one submission).

Submission:

Department of Pathology and Laboratory Medicine, Sinai Health System
Classification: Uncertain significance. Review status: no assertion criteria provided. Collection method: clinical testing. Allele origin: unknown. Affected: yes. Study: The Canadian Open Genetics Repository (COGR).
Comment: The POLQ p.Val1314Ala variant was not identified in the literature nor was it identified in dbSNP, ClinVar, Cosmic, LOVD 3.0 or in the following control databases: the 1000 Genomes Project, the NHLBI GO Exome Sequencing Project, the Exome Aggregation Consortium (August 8th 2016), or the Genome Aggregation Database (Feb 27, 2017). The p.Val1314 residue is not conserved in mammals and computational analyses (PolyPhen-2, SIFT, AlignGVGD, BLOSUM, MutationTaster) do not suggest a high likelihood of impact to the protein; however, this information is not predictive enough to rule out pathogenicity. The variant occurs outside of the splicing consensus sequence and in silico or computational prediction software programs (SpliceSiteFinder, MaxEntScan, NNSPLICE, GeneSplicer) do not predict a difference in splicing. In summary, based on the above information the clinical significance of this variant cannot be determined with certainty at this time. This variant is classified as a variant of uncertain significance.

NM_199420.4(POLQ):c.3941T>C (p.Val1314Ala)

Gene: POLQ (DNA polymerase theta; minus strand). Cytogenetic location: 3q13.33.
Variant type: single nucleotide variant.
Coding change: c.3941T>C on transcript NM_199420.4 (MANE Select); coding-DNA position 3941, T replaced by C.
Protein change: p.Val1314Ala; replaces valine 1314 with alanine.
Molecular consequence: missense variant.
Genome position (GRCh38, 1-based): chr3:121,488,990, A>G on the plus strand (T>C on the coding strand, the complement: POLQ is on the minus strand). VCF-style: chr3-121488990-A-G. GRCh37 (hg19) VCF-style: chr3-121207837-A-G.
Other names: short protein forms V1314A.
Identifiers: ClinVar variation 1050407 (VCV001050407.1), dbSNP rs2108798342, ClinGen allele CA354096595.